The following is an entry in ClinVar:

ClinVar aggregate classification (germline): Uncertain significance (1 of 4 stars; one submission).

Allele frequency attached by ClinVar (database versions not stated): gnomAD exomes below 0.00001; ExAC 0.00001.
gnomAD v4.1: 1 of 1,614,046 alleles (0.000062%); no homozygotes.

Submission:

Labcorp Genetics (formerly Invitae), Labcorp
Classification: Uncertain significance. Last evaluated: 2021-11-09. Review status: criteria provided, single submitter. Criteria: Invitae Variant Classification Sherloc (09022015). Collection method: clinical testing. Allele origin: germline.
Comment: In summary, the available evidence is currently insufficient to determine the role of this variant in disease. Therefore, it has been classified as a Variant of Uncertain Significance. Algorithms developed to predict the effect of missense changes on protein structure and function (SIFT, PolyPhen-2, Align-GVGD) all suggest that this variant is likely to be tolerated. This variant has not been reported in the literature in individuals affected with SMARCB1-related conditions. This variant is present in population databases (rs747794500, gnomAD no frequency). This sequence change replaces threonine, which is neutral and polar, with asparagine, which is neutral and polar, at codon 86 of the SMARCB1 protein (p.Thr86Asn).

NM_003073.5(SMARCB1):c.257C>A (p.Thr86Asn)

Gene: SMARCB1 (SWI/SNF related BAF chromatin remodeling complex subunit B1; plus strand). Cytogenetic location: 22q11.23.
Variant type: single nucleotide variant.
Coding change: c.257C>A on transcript NM_003073.5 (MANE Select); coding-DNA position 257, C replaced by A.
Protein change: p.Thr86Asn; replaces threonine 86 with asparagine.
Molecular consequence: missense variant.
Genome position (GRCh38, 1-based): chr22:23,793,583, C>A. VCF-style: chr22-23793583-C-A. GRCh37 (hg19) VCF-style: chr22-24135770-C-A.
Other names: c.230C>A, p.Thr77Asn (NM_001007468.3, NM_001317946.2); c.257C>A, p.Thr86Asn (NM_001362877.2); short protein forms T86N, T77N.
Identifiers: ClinVar variation 1392274 (VCV001392274.6), dbSNP rs747794500, ClinGen allele CA10145880.